The following is an entry in ClinVar:

ClinVar aggregate classification (germline): Uncertain significance. Review status: criteria provided, multiple submitters, no conflicts (2 of 4 stars). 2 submissions from 2 submitters: Uncertain significance (2). Last evaluated 2025-08-30.

Conditions:
Progressive familial heart block type IB (PFHB1B). Identifiers: Orphanet 871, MedGen C1970298, MONDO:0011474, OMIM 604559.
Cardiovascular phenotype. Identifiers: MedGen CN230736.

Allele frequency attached by ClinVar (database versions not stated): ExAC 0.00001.

Submissions (2):

Ambry Genetics
Classification: Uncertain significance for Cardiovascular phenotype. Last evaluated: 2025-08-30. Review status: criteria provided, single submitter. Criteria: Ambry Variant Classification Scheme 2023. Collection method: clinical testing. Allele origin: germline.
Comment: The p.P71S variant (also known as c.211C>T), located in coding exon 3 of the TRPM4 gene, results from a C to T substitution at nucleotide position 211. The proline at codon 71 is replaced by serine, an amino acid with similar properties. This amino acid position is conserved. In addition, the in silico prediction for this alteration is inconclusive. Based on the available evidence, the clinical significance of this variant remains unclear.

Labcorp Genetics (formerly Invitae), Labcorp
Classification: Uncertain significance for Progressive familial heart block type IB. Last evaluated: 2024-01-16. Review status: criteria provided, single submitter. Criteria: Invitae Variant Classification Sherloc (09022015). Collection method: clinical testing. Allele origin: germline.
Comment: This sequence change replaces proline, which is neutral and non-polar, with serine, which is neutral and polar, at codon 71 of the TRPM4 protein (p.Pro71Ser). The frequency data for this variant in the population databases is considered unreliable, as metrics indicate poor data quality at this position in the gnomAD database. This variant has not been reported in the literature in individuals affected with TRPM4-related conditions. An algorithm developed to predict the effect of missense changes on protein structure and function (PolyPhen-2) suggests that this variant is likely to be disruptive. In summary, the available evidence is currently insufficient to determine the role of this variant in disease. Therefore, it has been classified as a Variant of Uncertain Significance.

NM_017636.4(TRPM4):c.211C>T (p.Pro71Ser)

Gene: TRPM4 (transient receptor potential cation channel subfamily M member 4; plus strand). Cytogenetic location: 19q13.33.
Variant type: single nucleotide variant.
Coding change: c.211C>T on transcript NM_017636.4 (MANE Select); coding-DNA position 211, C replaced by T.
Protein change: p.Pro71Ser; replaces proline 71 with serine.
Molecular consequence: missense variant. On other transcripts: 5 prime UTR variant (1), intron variant (2).
Genome position (GRCh38, 1-based): chr19:49,166,159, C>T. VCF-style: chr19-49166159-C-T. GRCh37 (hg19) VCF-style: chr19-49669416-C-T.
Other names: c.211C>T, p.Pro71Ser (NM_001195227.2, NM_001321281.2); c.-1162C>T (NM_001321282.2); c.-74-2101C>T (NM_001321283.2); c.-237-2394C>T (NM_001321285.2); c.211C>T (NM_017636.3); short protein forms P71S.
Identifiers: ClinVar variation 2812408 (VCV002812408.4), dbSNP rs773878985, ClinGen allele CA9568719.